The following is an entry in ClinVar:

ClinVar aggregate classification (germline): Pathogenic/Likely pathogenic. Review status: criteria provided, multiple submitters, no conflicts (2 of 4 stars). 3 submissions from 3 submitters: Pathogenic (1); Likely pathogenic (1). 1 of the submissions does not count toward it. Last evaluated 2021-06-09.

Conditions:
Developmental and epileptic encephalopathy, 11 (DEE11). Also called: Early infantile epileptic encephalopathy 11. Identifiers: Orphanet 1934, MedGen C3150987, MONDO:0013388, OMIM 613721.
Seizures, benign familial infantile, 3 (BFIS3). Also called: CONVULSIONS, BENIGN FAMILIAL INFANTILE, 3; Familial neonatal seizures. Identifiers: Orphanet 140927, Orphanet 306, MedGen C1843140, MONDO:0011904, OMIM 607745.

Submissions (3):

Labcorp Genetics (formerly Invitae), Labcorp
Classification: Pathogenic for Seizures, benign familial infantile, 3; Developmental and epileptic encephalopathy, 11. Last evaluated: 2021-06-09. Review status: criteria provided, single submitter. Criteria: Invitae Variant Classification Sherloc (09022015). Collection method: clinical testing. Allele origin: germline.
Comment: This variant is not present in population databases (ExAC no frequency). This sequence change replaces asparagine with serine at codon 876 of the SCN2A protein (p.Asn876Ser). The asparagine residue is highly conserved and there is a small physicochemical difference between asparagine and serine. his variant has been observed to segregate with benign familial neonatal-infantile epilepsy in a family (PMID: 29215089). ClinVar contains an entry for this variant (Variation ID: 449958). Algorithms developed to predict the effect of missense changes on protein structure and function are either unavailable or do not agree on the potential impact of this missense change (SIFT: "Deleterious"; PolyPhen-2: "Probably Damaging"; Align-GVGD: "Class C0"). This variant disrupts the p.Asn876 amino acid residue in SCN2A. Other variant(s) that disrupt this residue have been determined to be pathogenic (PMID: 23935176). This suggests that this residue is clinically significant, and that variants that disrupt this residue are likely to be disease-causing. For these reasons, this variant has been classified as Pathogenic.

GeneDx
Classification: Likely pathogenic. Last evaluated: 2017-05-02. Review status: criteria provided, single submitter. Criteria: GeneDx Variant Classification (06012015). Collection method: clinical testing. Allele origin: germline. Affected: yes.
Comment: A variant that is likely pathogenic has been identified in the SCN2A gene. The N876S variant has not been published as a pathogenic variant, nor has it been reported as a benign variant to our knowledge. A different missense substitution at the same position (N876T) has been reported as a de novo change in an individual with early-onset epileptic encephalopathy (Nakamura et al., 2013). The N876S variant is not observed in large population cohorts (Lek et al., 2016; 1000 Genomes Consortium et al., 2015; Exome Variant Server). The N876S variant is a conservative amino acid substitution, which is not likely to impact secondary protein structure as these residues share similar properties. However, this substitution alters a conserved position that is is predicted to be within the intracellular loop between the S4 and S5 transmembrane segments of the second homologous domain. Additionally, in silico analysis predicts this variant is probably damaging to the protein structure/function. Furthermore, missense variants in nearby residues (I873M, G879R) have been reported in the Human Gene Mutation Database in association with SCN2A-related disorders (Stenson et al., 2014), supporting the functional importance of this region of the protein. Therefore, this variant is likely pathogenic; however, the possibility that it is benign cannot be excluded.

Neurology Department, Shenzhen Children's Hospital
Classification: Pathogenic for Seizures, benign familial infantile, 3. Last evaluated: 2022-02-16. Review status: no assertion criteria provided. Collection method: clinical testing. Allele origin: maternal. Affected: yes. Not counted in ClinVar's aggregate classification.

Literature cited by the submitters: PubMed 29215089 (cited by Labcorp Genetics (formerly Invitae), Labcorp); PubMed 23935176 (cited by Labcorp Genetics (formerly Invitae), Labcorp).

NM_001040142.2(SCN2A):c.2627A>G (p.Asn876Ser)

Gene: SCN2A (sodium voltage-gated channel alpha subunit 2; plus strand). Cytogenetic location: 2q24.3.
Variant type: single nucleotide variant.
Coding change: c.2627A>G on transcript NM_001040142.2 (MANE Select); coding-DNA position 2627, A replaced by G.
Protein change: p.Asn876Ser; replaces asparagine 876 with serine.
Molecular consequence: missense variant.
Genome position (GRCh38, 1-based): chr2:165,344,619, A>G. VCF-style: chr2-165344619-A-G. GRCh37 (hg19) VCF-style: chr2-166201129-A-G.
Other names: c.2627A>G, p.Asn876Ser (NM_001040143.2, NM_001371246.1, NM_001371247.1 and 1 more transcripts); short protein forms N876S.
Identifiers: ClinVar variation 449958 (VCV000449958.16), dbSNP rs1553579282, ClinGen allele CA349013390.